The following is an entry in ClinVar:

NM_139057.4(ADAMTS17):c.2797-2A>C

Gene: ADAMTS17 (ADAM metallopeptidase with thrombospondin type 1 motif 17; minus strand). Cytogenetic location: 15q26.3.
Variant type: single nucleotide variant.
Coding change: c.2797-2A>C on transcript NM_139057.4 (MANE Select); the canonical splice acceptor site of the intron before coding-DNA position 2797, A replaced by C.
Molecular consequence: splice acceptor variant.
Genome position (GRCh38, 1-based): chr15:99,993,202, T>G on the plus strand (A>C on the coding strand, the complement: ADAMTS17 is on the minus strand). VCF-style: chr15-99993202-T-G. GRCh37 (hg19) VCF-style: chr15-100533407-T-G.
Identifiers: ClinVar variation 2716896 (VCV002716896.3), dbSNP rs2547991857, ClinGen allele CA393693695.

ClinVar aggregate classification (germline): Likely pathogenic (1 of 4 stars; one submission).

Submission:

Labcorp Genetics (formerly Invitae), Labcorp
Classification: Likely pathogenic. Last evaluated: 2023-06-15. Review status: criteria provided, single submitter. Criteria: Invitae Variant Classification Sherloc (09022015). Collection method: clinical testing. Allele origin: germline.
Comment: In summary, the currently available evidence indicates that the variant is pathogenic, but additional data are needed to prove that conclusively. Therefore, this variant has been classified as Likely Pathogenic. Algorithms developed to predict the effect of sequence changes on RNA splicing suggest that this variant may disrupt the consensus splice site. This variant has not been reported in the literature in individuals affected with ADAMTS17-related conditions. This variant is not present in population databases (gnomAD no frequency). This sequence change affects an acceptor splice site in intron 19 of the ADAMTS17 gene. It is expected to disrupt RNA splicing. Variants that disrupt the donor or acceptor splice site typically lead to a loss of protein function (PMID: 16199547), and loss-of-function variants in ADAMTS17 are known to be pathogenic (PMID: 19836009, 24940034).

Literature cited by the submitters: PubMed 16199547; PubMed 19836009; PubMed 24940034.